The following is an entry in ClinVar:

NM_005912.3(MC4R):c.422T>G (p.Leu141Arg)

Gene: MC4R (melanocortin 4 receptor; minus strand). Cytogenetic location: 18q21.32.
Variant type: single nucleotide variant.
Coding change: c.422T>G on transcript NM_005912.3 (MANE Select); coding-DNA position 422, T replaced by G.
Protein change: p.Leu141Arg; replaces leucine 141 with arginine.
Molecular consequence: missense variant.
Genome position (GRCh38, 1-based): chr18:60,371,928, A>C on the plus strand (T>G on the coding strand, the complement: MC4R is on the minus strand). VCF-style: chr18-60371928-A-C. GRCh37 (hg19) VCF-style: chr18-58039161-A-C.
Other names: short protein forms L141R.
Identifiers: ClinVar variation 2265224 (VCV002265224.5), dbSNP rs2511560480, ClinGen allele CA402719843.

ClinVar aggregate classification (germline): Uncertain significance. Review status: criteria provided, multiple submitters, no conflicts (2 of 4 stars). 3 submissions from 3 submitters: Uncertain significance (2). 1 of the submissions does not count toward it. Last evaluated 2026-08-13.

Conditions:
MC4R-related disorder. Also called: MC4R-related condition.

Submissions (3):

GeneDx
Classification: Uncertain significance. Last evaluated: 2026-08-13. Review status: criteria provided, single submitter. Criteria: GeneDx Variant Classification Process June 2021. Collection method: clinical testing. Allele origin: germline.
Comment: Has not been previously published as pathogenic or benign to our knowledge; Not observed at significant frequency in large population cohorts (gnomAD); In silico analysis suggests that this missense variant does not alter protein structure/function; This variant is associated with the following publications: (PMID: 39552559)

Ambry Genetics
Classification: Uncertain significance. Last evaluated: 2021-12-06. Review status: criteria provided, single submitter. Criteria: Ambry Variant Classification Scheme 2023. Collection method: clinical testing. Allele origin: germline.

PreventionGenetics, part of Exact Sciences
Classification: Uncertain significance for MC4R-related condition. Last evaluated: 2024-04-05. Review status: no assertion criteria provided. Collection method: clinical testing. Allele origin: germline. Not counted in ClinVar's aggregate classification.
Comment: The MC4R c.422T>G variant is predicted to result in the amino acid substitution p.Leu141Arg. To our knowledge, this variant has not been reported in the literature or in a large population database, indicating this variant is rare. At this time, the clinical significance of this variant is uncertain due to the absence of conclusive functional and genetic evidence.